The following is an entry in ClinVar:

NM_001103.4(ACTN2):c.1603G>A (p.Ala535Thr)

Gene: ACTN2 (actinin alpha 2; plus strand). Cytogenetic location: 1q43.
Variant type: single nucleotide variant.
Coding change: c.1603G>A on transcript NM_001103.4 (MANE Select); coding-DNA position 1603, G replaced by A.
Protein change: p.Ala535Thr; replaces alanine 535 with threonine.
Molecular consequence: missense variant.
Genome position (GRCh38, 1-based): chr1:236,749,211, G>A. VCF-style: chr1-236749211-G-A. GRCh37 (hg19) VCF-style: chr1-236912511-G-A.
Other names: c.1603G>A, p.Ala535Thr (NM_001278343.2); c.979G>A, p.Ala327Thr (NM_001278344.2); c.853G>A, p.Ala285Thr (NM_001412150.1); c.1603G>A (NM_001103.3); short protein forms A535T, A285T, A327T.
Identifiers: ClinVar variation 1776222 (VCV001776222.8), dbSNP rs780923255, ClinGen allele CA345384897.

ClinVar aggregate classification (germline): Conflicting classifications of pathogenicity. Review status: criteria provided, conflicting classifications (1 of 4 stars). 3 submissions from 3 submitters: Uncertain significance (2); Likely benign (1). Last evaluated 2025-12-23.

Conditions:
Cardiovascular phenotype. Identifiers: MedGen CN230736.
Primary familial hypertrophic cardiomyopathy (HCM). Identifiers: Orphanet 99739, MedGen C0949658, MeSH D024741, MONDO:0024573. Inheritance: Various modes of inheritance.
Dilated cardiomyopathy 1AA (CMD1AA). Also called: CARDIOMYOPATHY, DILATED, 1AA, WITH OR WITHOUT LEFT VENTRICULAR NONCOMPACTION; CARDIOMYOPATHY, FAMILIAL HYPERTROPHIC, 23, WITH OR WITHOUT LEFT VENTRICULAR NONCOMPACTION; Cardiomyopathy, dilated, 1AA, with or without LVNC. Identifiers: Orphanet 154, MedGen C2677338, MONDO:0012808, OMIM 612158.
ACTN2-related disorder. Also called: ACTN2 related condition; ACTN2-related disorders.

Allele frequency attached by ClinVar (database versions not stated): gnomAD 0.00001.
gnomAD v4.1: 23 of 1,614,076 alleles (0.0014%); highest among the groups gnomAD compares: Non-Finnish European, 0.0019%; no homozygotes.

Submissions (3):

PreventionGenetics, part of Exact Sciences
Classification: Uncertain significance for ACTN2-related condition. Last evaluated: 2025-12-23. Review status: criteria provided, single submitter. Criteria: ACMG Guidelines, 2015. Collection method: clinical testing. Allele origin: germline.
Comment: The ACTN2 c.1603G>A variant is predicted to result in the amino acid substitution p.Ala535Thr. To our knowledge, this variant has not been reported in the literature. This variant is reported in 0.00088% of alleles in individuals of European (Non-Finnish) descent in gnomAD. At this time, the clinical significance of this variant is uncertain due to the absence of conclusive functional and genetic evidence.

Labcorp Genetics (formerly Invitae), Labcorp
Classification: Likely benign for Primary familial hypertrophic cardiomyopathy; Dilated cardiomyopathy 1AA. Last evaluated: 2024-04-24. Review status: criteria provided, single submitter. Criteria: Invitae Variant Classification Sherloc (09022015). Collection method: clinical testing. Allele origin: germline.

Ambry Genetics
Classification: Uncertain significance for Cardiovascular phenotype. Last evaluated: 2021-05-27. Review status: criteria provided, single submitter. Criteria: Ambry Variant Classification Scheme 2023. Collection method: clinical testing. Allele origin: germline.
Comment: The p.A535T variant (also known as c.1603G>A), located in coding exon 14 of the ACTN2 gene, results from a G to A substitution at nucleotide position 1603. The alanine at codon 535 is replaced by threonine, an amino acid with similar properties. This amino acid position is highly conserved in available vertebrate species. In addition, the in silico prediction for this alteration is inconclusive. Since supporting evidence is limited at this time, the clinical significance of this alteration remains unclear.